The following is an entry in ClinVar:

ClinVar aggregate classification (germline): Benign (3 of 4 stars; one submission).

Conditions:
Breast-ovarian cancer, familial, susceptibility to, 2 (BROVCA2). Also called: BRCA2 Hereditary Breast and Ovarian Cancer. Identifiers: Orphanet 145, MedGen C2675520, MONDO:0012933, OMIM 612555. Disease mechanism: loss of function.

Allele frequency attached by ClinVar (database versions not stated): gnomAD 0.00268 and 0.00274; TOPMed 0.00276; 1000 Genomes Project 30x 0.00328; 1000 Genomes Project 0.00399.
gnomAD v4.1: 404 of 152,250 alleles (0.27%); highest among the groups gnomAD compares: African/African-American, 0.88%; 4 homozygotes.

Submission:

Evidence-based Network for the Interpretation of Germline Mutant Alleles (ENIGMA)
Classification: Benign for Breast-ovarian cancer, familial 2. Last evaluated: 2015-01-12. Review status: reviewed by expert panel. Criteria: ENIGMA BRCA1/2 Classification Criteria (2015). Collection method: curation. Allele origin: germline.
Comment: Class 1 not pathogenic based on frequency >1% in an outbred sampleset. Frequency 0.03455 (African), derived from 1000 genomes (2012-04-30).

NM_000059.4(BRCA2):c.9256+1507G>T

Genes: BRCA2 (BRCA2 DNA repair associated; plus strand), LOC112163653 (Sharpr-MPRA regulatory region 1962; plus strand). Cytogenetic location: 13q13.1.
Variant type: single nucleotide variant.
Coding change: c.9256+1507G>T on transcript NM_000059.4 (MANE Select); 1507 bases into the intron after coding-DNA position 9256, G replaced by T.
Molecular consequence: intron variant.
Genome position (GRCh38, 1-based): chr13:32,381,652, G>T. VCF-style: chr13-32381652-G-T. GRCh37 (hg19) VCF-style: chr13-32955789-G-T.
Other names: IVS 24+1507G>T.
Identifiers: ClinVar variation 209852 (VCV000209852.1), dbSNP rs144001573, ClinGen allele CA276820.